The following is an entry in ClinVar:

ClinVar aggregate classification (germline): Uncertain significance (1 of 4 stars; one submission).

Conditions:
Schuurs-Hoeijmakers syndrome. Also called: PACS1-Related Neurodevelopmental Disorder. Identifiers: Orphanet 329224, MedGen C3554343, MONDO:0014006, OMIM 615009.

Allele frequency attached by ClinVar (database versions not stated): gnomAD exomes 0.00001; ExAC 0.00002.
gnomAD v4.1: 16 of 1,612,300 alleles (0.00099%); highest among the groups gnomAD compares: South Asian, 0.014%; no homozygotes.

Submission:

Labcorp Genetics (formerly Invitae), Labcorp
Classification: Uncertain significance for Schuurs-Hoeijmakers syndrome. Last evaluated: 2022-12-31. Review status: criteria provided, single submitter. Criteria: Invitae Variant Classification Sherloc (09022015). Collection method: clinical testing. Allele origin: germline.
Comment: This variant has not been reported in the literature in individuals affected with PACS1-related conditions. In summary, the available evidence is currently insufficient to determine the role of this variant in disease. Therefore, it has been classified as a Variant of Uncertain Significance. Advanced modeling of protein sequence and biophysical properties (such as structural, functional, and spatial information, amino acid conservation, physicochemical variation, residue mobility, and thermodynamic stability) performed at Invitae indicates that this missense variant is expected to disrupt PACS1 protein function. This variant is present in population databases (rs767663290, gnomAD 0.01%). This sequence change replaces valine, which is neutral and non-polar, with methionine, which is neutral and non-polar, at codon 597 of the PACS1 protein (p.Val597Met).

NM_018026.4(PACS1):c.1789G>A (p.Val597Met)

Gene: PACS1 (phosphofurin acidic cluster sorting protein 1; plus strand). Cytogenetic location: 11q13.2.
Variant type: single nucleotide variant.
Coding change: c.1789G>A on transcript NM_018026.4 (MANE Select); coding-DNA position 1789, G replaced by A.
Protein change: p.Val597Met; replaces valine 597 with methionine.
Molecular consequence: missense variant.
Genome position (GRCh38, 1-based): chr11:66,233,017, G>A. VCF-style: chr11-66233017-G-A. GRCh37 (hg19) VCF-style: chr11-66000488-G-A.
Other names: short protein forms V597M.
Identifiers: ClinVar variation 2959274 (VCV002959274.3), dbSNP rs767663290, ClinGen allele CA6116672.